The following is an entry in ClinVar:

ClinVar aggregate classification (germline): Uncertain significance. Review status: criteria provided, multiple submitters, no conflicts (2 of 4 stars). 4 submissions from 4 submitters: Uncertain significance (4). Last evaluated 2026-05-04.

Conditions:
Cardiovascular phenotype. Identifiers: MedGen CN230736.

Submissions (4):

Women's Health and Genetics/Laboratory Corporation of America, LabCorp
Classification: Uncertain significance. Last evaluated: 2026-05-04. Review status: criteria provided, single submitter. Criteria: LabCorp Variant Classification Summary - May 2015. Collection method: clinical testing. Allele origin: germline.
Comment: Variant summary: ZNF469 c.3298_3306delGAGGACGAG (p.Glu1100_Glu1102del) results in an in-frame deletion that is predicted to remove 3 amino acids from the encoded protein. The variant allele was found at a frequency of 3.5e-05 in 113868 control chromosomes (gnomAD). The available data on variant occurrences in the general population are insufficient to allow any conclusion about variant significance. To our knowledge, no occurrence of c.3298_3306delGAGGACGAG in individuals affected with ZNF469-related conditions and no experimental evidence demonstrating its impact on protein function have been reported. ClinVar contains an entry for this variant (Variation ID: 1728969). Based on the evidence outlined above, the variant was classified as uncertain significance.

Ambry Genetics
Classification: Uncertain significance for Cardiovascular phenotype. Last evaluated: 2024-12-02. Review status: criteria provided, single submitter. Criteria: Ambry Variant Classification Scheme 2023. Collection method: clinical testing. Allele origin: germline.
Comment: The c.3214_3222delGAGGACGAG variant (also known as p.E1072_E1074del) is located in coding exon 2 of the ZNF469 gene. This variant results from an in-frame GAGGACGAG deletion at nucleotide positions 3214 to 3222. This results in the in-frame deletion of three amino acids at codons 1072 to 1074. These amino acid positions are not well conserved in available vertebrate species. In addition, this alteration is predicted to be inconclusive by in silico analysis (Choi Y et al. PLoS ONE. 2012; 7(10):e46688). Based on the available evidence, the clinical significance of this variant remains unclear.

Labcorp Genetics (formerly Invitae), Labcorp
Classification: Uncertain significance. Last evaluated: 2024-05-07. Review status: criteria provided, single submitter. Criteria: Invitae Variant Classification Sherloc (09022015). Collection method: clinical testing. Allele origin: germline.
Comment: This variant, c.3214_3222del, results in the deletion of 3 amino acid(s) of the ZNF469 protein (p.Glu1072_Glu1074del), but otherwise preserves the integrity of the reading frame. This variant is present in population databases (rs768453073, gnomAD 0.01%). This variant has not been reported in the literature in individuals affected with ZNF469-related conditions. ClinVar contains an entry for this variant (Variation ID: 1728969). Experimental studies and prediction algorithms are not available or were not evaluated, and the functional significance of this variant is currently unknown. In summary, the available evidence is currently insufficient to determine the role of this variant in disease. Therefore, it has been classified as a Variant of Uncertain Significance.

GeneDx
Classification: Uncertain significance. Last evaluated: 2022-12-01. Review status: criteria provided, single submitter. Criteria: GeneDx Variant Classification Process June 2021. Collection method: clinical testing. Allele origin: germline. Affected: yes.
Comment: Not observed at significant frequency in large population cohorts (gnomAD); In-frame deletion of 3 amino acids in a non-repeat region; In silico analysis supports that this variant does not alter protein structure/function; Has not been previously published as pathogenic or benign to our knowledge

NM_001367624.2(ZNF469):c.3298_3306del (p.Glu1100_Glu1102del)

Gene: ZNF469 (zinc finger protein 469; plus strand). Cytogenetic location: 16q24.2.
Variant type: Deletion.
Coding change: c.3298_3306del on transcript NM_001367624.2 (MANE Select); coding-DNA positions 3298 to 3306, 9 bases deleted (GAGGACGAG; older notation c.3298_3306delGAGGACGAG).
Protein change: p.Glu1100_Glu1102del.
Molecular consequence: inframe deletion.
Genome position (GRCh38, 1-based): chr16:88,430,768-88,430,776, GAGGACGAG deleted; deleting any 9 consecutive bases within chr16:88,430,764-88,430,776 gives the same sequence; the c. name uses the placement nearest the transcript's 3' end. VCF-style (leftmost placement, unchanged base first): chr16-88430763-CCGAGGAGGA-C. GRCh37 (hg19) VCF-style: chr16-88497171-CCGAGGAGGA-C.
Other names: NM_001127464.1:c.3214_3222delGAGGACGAG; NM_001127464.1:c.3214_3222del; c.3298_3306delGAGGACGAG (NM_001367624.2).
Identifiers: ClinVar variation 1728969 (VCV001728969.8), dbSNP rs768453073, ClinGen allele CA8224841.